The following is an entry in ClinVar:

ClinVar aggregate classification (germline): Likely benign. Review status: reviewed by expert panel (3 of 4 stars). 2 submissions from 2 submitters: Likely benign (1). 1 of the submissions does not count toward it. Last evaluated 2026-05-19.

Conditions:
Immunodeficiency 36 with lymphoproliferation. Also called: Immunodeficiency 36; ACTIVATED PI3K-DELTA SYNDROME 2; Activated PI3K Delta Syndrome Type 2 (APDS2). Identifiers: Orphanet 397596, Orphanet 693681, MedGen C4014934, MONDO:0014453, OMIM 616005.
Agammaglobulinemia 7, autosomal recessive (AGM7). Also called: AGAMMAGLOBULINEMIA, AUTOSOMAL RECESSIVE, DUE TO PIK3R1 DEFECT. Identifiers: MedGen C3554689, MONDO:0014083, OMIM 615214.
SHORT syndrome. Also called: SHORT STATURE, HYPEREXTENSIBILITY, HERNIA, OCULAR DEPRESSION, RIEGER ANOMALY, AND TEETHING DELAY; LIPODYSTROPHY, PARTIAL, WITH RIEGER ANOMALY AND SHORT STATURE; PIK3R1-Related SHORT Syndrome. Identifiers: Orphanet 3163, MedGen C0878684, MONDO:0010026, OMIM 269880.
PIK3R1-related immunodeficiency and SHORT syndrome. Identifiers: MedGen CN379774, MONDO:1060136.

Submissions (2):

ClinGen Primary Immune Regulatory Disorders Variant Curation Expert Panel, ClinGen
Classification: Likely benign for PIK3R1-related immunodeficiency and SHORT syndrome. Last evaluated: 2026-05-19. Review status: reviewed by expert panel. Criteria: ClinGen AbDef ACMG Specifications PIK3R1 V1.0.0. Collection method: curation. Allele origin: germline. Inheritance: Autosomal recessive inheritance.
Comment: NM_181523.3(PIK3R1):c.312T>C (p.Thr104=) is a synonymous variant near the 3' end of exon 2 that is not predicted to impact PIK3R1 splicing (BP7). The splicing impact predictor SpliceAI gives a delta score of 0.02 for donor gain, which is below the ClinGen Antibody Deficiencies VCEP recommended threshold of <0.1 and does not strongly predict an impact on splicing (BP4). This variant is absent from gnomAD v4.1.0 (PM2_Supporting). In summary, this variant meets the criteria to be classified as likely benign for autosomal dominant PIK3R1-related immunodeficiency and SHORT syndrome based on the ACMG/AMP criteria applied, as specified by the ClinGen Antibody Deficiencies VCEP: BP7, BP4, and PM2_Supporting. (VCEP specifications version 1.0.0; date of approval 04/29/2026).

Labcorp Genetics (formerly Invitae), Labcorp
Classification: Likely benign for SHORT syndrome; Immunodeficiency 36 with lymphoproliferation; Agammaglobulinemia 7, autosomal recessive. Last evaluated: 2024-07-25. Review status: criteria provided, single submitter. Criteria: Invitae Variant Classification Sherloc (09022015). Collection method: clinical testing. Allele origin: germline. Not counted in ClinVar's aggregate classification.

NM_181523.3(PIK3R1):c.312T>C (p.Thr104=)

Gene: PIK3R1 (phosphoinositide-3-kinase regulatory subunit 1; plus strand). Cytogenetic location: 5q13.1.
Variant type: single nucleotide variant.
Coding change: c.312T>C on transcript NM_181523.3 (MANE Select); coding-DNA position 312, T replaced by C.
Protein change: p.Thr104=; no amino-acid change (threonine 104 retained).
Molecular consequence: synonymous variant.
Genome position (GRCh38, 1-based): chr5:68,226,987, T>C. VCF-style: chr5-68226987-T-C. GRCh37 (hg19) VCF-style: chr5-67522815-T-C.
Other names: NM_181523.3(PIK3R1):c.312T>C; p.Thr104=.
Identifiers: ClinVar variation 3761968 (VCV003761968.3).